The following is an entry in ClinVar:

NM_139321.3(ATRN):c.659T>C (p.Val220Ala)

Gene: ATRN (attractin; plus strand). Cytogenetic location: 20p13.
Variant type: single nucleotide variant.
Coding change: c.659T>C on transcript NM_139321.3 (MANE Select); coding-DNA position 659, T replaced by C.
Protein change: p.Val220Ala; replaces valine 220 with alanine.
Molecular consequence: missense variant.
Genome position (GRCh38, 1-based): chr20:3,545,812, T>C. VCF-style: chr20-3545812-T-C. GRCh37 (hg19) VCF-style: chr20-3526459-T-C.
Other names: c.311T>C, p.Val104Ala (NM_001207047.3); c.659T>C, p.Val220Ala (NM_001323332.2, NM_139322.4); short protein forms V104A, V220A.
Identifiers: ClinVar variation 2185887 (VCV002185887.4), dbSNP rs949307502, ClinGen allele CA310692302.
Genomic context (GRCh38, chr20:3,545,812, plus strand): 5'-TTCATTTCAGTGGCCTCATTGTTCCTGAGAGAGATGGCAATGAGACTGTCCCTGAGGTTG[T>C]TGCCACATCAGGTTATGCCTTGCTGCATTTTTTTAGTGATGCTGCTTATAATTTGACTGG-3'
Protein context (NP_647537.1, residues 210-230): RDGNETVPEV[Val220Ala]ATSGYALLHF

ClinVar aggregate classification (germline): Uncertain significance (1 of 4 stars; one submission).

Allele frequency attached by ClinVar (database versions not stated): gnomAD exomes below 0.00001; TOPMed below 0.00001.
gnomAD v4.1: 2 of 1,614,082 alleles (0.00012%); highest among the groups gnomAD compares: Admixed American, 0.0017%; no homozygotes.

Submission:

Labcorp Genetics (formerly Invitae), Labcorp
Classification: Uncertain significance. Last evaluated: 2024-12-02. Review status: criteria provided, single submitter. Criteria: Invitae Variant Classification Sherloc (09022015). Collection method: clinical testing. Allele origin: germline.
Comment: This sequence change replaces valine, which is neutral and non-polar, with alanine, which is neutral and non-polar, at codon 220 of the ATRN protein (p.Val220Ala). This variant is present in population databases (no rsID available, gnomAD 0.003%). This variant has not been reported in the literature in individuals affected with ATRN-related conditions. ClinVar contains an entry for this variant (Variation ID: 2185887). An algorithm developed to predict the effect of missense changes on protein structure and function (PolyPhen-2) suggests that this variant is likely to be tolerated. In summary, the available evidence is currently insufficient to determine the role of this variant in disease. Therefore, it has been classified as a Variant of Uncertain Significance.